The following is an entry in ClinVar:

NM_001145715.3(KPNA7):c.421A>G (p.Ile141Val)

Gene: KPNA7 (karyopherin subunit alpha 7; minus strand). Cytogenetic location: 7q22.1.
Variant type: single nucleotide variant.
Coding change: c.421A>G on transcript NM_001145715.3 (MANE Select); coding-DNA position 421, A replaced by G.
Protein change: p.Ile141Val; replaces isoleucine 141 with valine.
Molecular consequence: missense variant.
Genome position (GRCh38, 1-based): chr7:99,195,202, T>C on the plus strand (A>G on the coding strand, the complement: KPNA7 is on the minus strand). VCF-style: chr7-99195202-T-C. GRCh37 (hg19) VCF-style: chr7-98792825-T-C.
Other names: short protein forms I141V.
Identifiers: ClinVar variation 1927471 (VCV001927471.5), dbSNP rs1328581485, ClinGen allele CA368420586.

ClinVar aggregate classification (germline): Uncertain significance (1 of 4 stars; one submission).

Allele frequency attached by ClinVar (database versions not stated): gnomAD exomes below 0.00001; TOPMed below 0.00001.
gnomAD v4.1: 1 of 1,551,616 alleles (0.000064%); highest among the groups gnomAD compares: East Asian, 0.0024%; no homozygotes.

Submission:

Labcorp Genetics (formerly Invitae), Labcorp
Classification: Uncertain significance. Last evaluated: 2022-04-23. Review status: criteria provided, single submitter. Criteria: Invitae Variant Classification Sherloc (09022015). Collection method: clinical testing. Allele origin: germline.
Comment: In summary, the available evidence is currently insufficient to determine the role of this variant in disease. Therefore, it has been classified as a Variant of Uncertain Significance. Algorithms developed to predict the effect of missense changes on protein structure and function (SIFT, PolyPhen-2, Align-GVGD) all suggest that this variant is likely to be disruptive. This variant has not been reported in the literature in individuals affected with KPNA7-related conditions. This variant is present in population databases (no rsID available, gnomAD 0.01%). This sequence change replaces isoleucine, which is neutral and non-polar, with valine, which is neutral and non-polar, at codon 141 of the KPNA7 protein (p.Ile141Val).